The following is an entry in ClinVar:

ClinVar aggregate classification (germline): Likely pathogenic (1 of 4 stars; one submission).

Conditions:
Citrullinemia. Identifiers: Orphanet 187, MedGen C0175683, MONDO:0015991.

Allele frequency attached by ClinVar (database versions not stated): TOPMed below 0.00001.

Submission:

Labcorp Genetics (formerly Invitae), Labcorp
Classification: Likely pathogenic for Citrullinemia. Last evaluated: 2019-09-09. Review status: criteria provided, single submitter. Criteria: Invitae Variant Classification Sherloc (09022015). Collection method: clinical testing. Allele origin: germline.
Comment: In summary, the currently available evidence indicates that the variant is pathogenic, but additional data are needed to prove that conclusively. Therefore, this variant has been classified as Likely Pathogenic. Donor and acceptor splice site variants typically lead to a loss of protein function (PMID: 16199547), and loss-of-function variants in ASS1 are known to be pathogenic (PMID: 18473344, 19006241). Algorithms developed to predict the effect of sequence changes on RNA splicing suggest that this variant may disrupt the consensus splice site, but this prediction has not been confirmed by published transcriptional studies. This variant has not been reported in the literature in individuals with ASS1-related conditions. This variant is not present in population databases (ExAC no frequency). This sequence change affects a donor splice site in intron 7 of the ASS1 gene. It is expected to disrupt RNA splicing and likely results in an absent or disrupted protein product.

Literature cited by the submitters: PubMed 16199547; PubMed 18473344; PubMed 19006241.

NM_054012.4(ASS1):c.495+1G>C

Gene: ASS1 (argininosuccinate synthase 1; plus strand). Cytogenetic location: 9q34.11.
Variant type: single nucleotide variant.
Coding change: c.495+1G>C on transcript NM_054012.4 (MANE Select); the canonical splice donor site of the intron after coding-DNA position 495, G replaced by C.
Molecular consequence: splice donor variant.
Genome position (GRCh38, 1-based): chr9:130,466,800, G>C. VCF-style: chr9-130466800-G-C. GRCh37 (hg19) VCF-style: chr9-133342187-G-C.
Other names: c.495+1G>C (NM_000050.4).
Identifiers: ClinVar variation 963993 (VCV000963993.8), dbSNP rs1845754405, ClinGen allele CA375226532.